The following is an entry in ClinVar:

ClinVar aggregate classification (germline): Uncertain significance (1 of 4 stars; one submission).

Allele frequency attached by ClinVar (database versions not stated): gnomAD exomes below 0.00001; ExAC 0.00001.
gnomAD v4.1: 1 of 1,570,270 alleles (0.000064%); highest among the groups gnomAD compares: Non-Finnish European, 0.000087%; no homozygotes.

Submission:

Labcorp Genetics (formerly Invitae), Labcorp
Classification: Uncertain significance. Last evaluated: 2024-10-22. Review status: criteria provided, single submitter. Criteria: Invitae Variant Classification Sherloc (09022015). Collection method: clinical testing. Allele origin: germline.
Comment: This sequence change replaces arginine, which is basic and polar, with glutamine, which is neutral and polar, at codon 618 of the PLAA protein (p.Arg618Gln). This variant is present in population databases (rs765544884, gnomAD 0.001%). This variant has not been reported in the literature in individuals affected with PLAA-related conditions. ClinVar contains an entry for this variant (Variation ID: 1460659). Invitae Evidence Modeling of protein sequence and biophysical properties (such as structural, functional, and spatial information, amino acid conservation, physicochemical variation, residue mobility, and thermodynamic stability) indicates that this missense variant is expected to disrupt PLAA protein function with a positive predictive value of 80%. In summary, the available evidence is currently insufficient to determine the role of this variant in disease. Therefore, it has been classified as a Variant of Uncertain Significance.

NM_001031689.3(PLAA):c.1853G>A (p.Arg618Gln)

Gene: PLAA (phospholipase A2 activating protein; minus strand). Cytogenetic location: 9p21.2.
Variant type: single nucleotide variant.
Coding change: c.1853G>A on transcript NM_001031689.3 (MANE Select); coding-DNA position 1853, G replaced by A.
Protein change: p.Arg618Gln; replaces arginine 618 with glutamine.
Molecular consequence: missense variant.
Genome position (GRCh38, 1-based): chr9:26,906,046, C>T on the plus strand (G>A on the coding strand, the complement: PLAA is on the minus strand). VCF-style: chr9-26906046-C-T. GRCh37 (hg19) VCF-style: chr9-26906044-C-T.
Other names: c.1784G>A, p.Arg595Gln (NM_001321546.2); short protein forms R618Q, R595Q.
Identifiers: ClinVar variation 1460659 (VCV001460659.6), dbSNP rs765544884, ClinGen allele CA5014205.
Genomic context (GRCh38, chr9:26,906,046, plus strand): 5'-TGAGCCCCTTCCTTTTCATTGCAGAAGTTCTCATTCACACTGGGGTGTTTAATTGACAAC[C>T]GAAGAATGTCAAGTGCAGGAAAGACAATATCTATTAAAAAAAAAAAGTCATTAATGCTTA-3'
Protein context (NP_001026859.1, residues 608-628): DIVFPALDIL[Arg618Gln]LSIKHPSVNE